The following is an entry in ClinVar:

ClinVar aggregate classification (germline): Uncertain significance (1 of 4 stars; one submission).

Conditions:
Cataract 6 multiple types. Also called: CATARACT 6, POSTERIOR POLAR; CATARACT 6, CONGENITAL TOTAL; CATARACT, AGE-RELATED CORTICAL, 2. Identifiers: Orphanet 91492, MedGen C1861825, MONDO:0007288, OMIM 116600.

Allele frequency attached by ClinVar (database versions not stated): gnomAD 0.00002; gnomAD exomes 0.00002 and 0.00004; TOPMed 0.00002; ExAC 0.00003.
gnomAD v4.1: 62 of 1,613,528 alleles (0.0038%); highest among the groups gnomAD compares: Non-Finnish European, 0.0048%; no homozygotes.

Submission:

Labcorp Genetics (formerly Invitae), Labcorp
Classification: Uncertain significance for Cataract 6 multiple types. Last evaluated: 2021-04-14. Review status: criteria provided, single submitter. Criteria: Invitae Variant Classification Sherloc (09022015). Collection method: clinical testing. Allele origin: germline.
Comment: This sequence change replaces lysine with glutamic acid at codon 282 of the EPHA2 protein (p.Lys282Glu). The lysine residue is highly conserved and there is a small physicochemical difference between lysine and glutamic acid. This variant is present in population databases (rs747087417, ExAC 0.005%). This variant has been observed in individual(s) with autosomal dominant congenital cataracts (PMID: 27315345, Invitae). Algorithms developed to predict the effect of missense changes on protein structure and function (SIFT, PolyPhen-2, Align-GVGD) all suggest that this variant is likely to be disruptive, but these predictions have not been confirmed by published functional studies and their clinical significance is uncertain. In summary, the available evidence is currently insufficient to determine the role of this variant in disease. Therefore, it has been classified as a Variant of Uncertain Significance.

Literature cited by the submitters: PubMed 27315345.

NM_004431.5(EPHA2):c.844A>G (p.Lys282Glu)

Gene: EPHA2 (EPH receptor A2; minus strand). Cytogenetic location: 1p36.13.
Variant type: single nucleotide variant.
Coding change: c.844A>G on transcript NM_004431.5 (MANE Select); coding-DNA position 844, A replaced by G.
Protein change: p.Lys282Glu; replaces lysine 282 with glutamic acid.
Molecular consequence: missense variant.
Genome position (GRCh38, 1-based): chr1:16,138,410, T>C on the plus strand (A>G on the coding strand, the complement: EPHA2 is on the minus strand). VCF-style: chr1-16138410-T-C. GRCh37 (hg19) VCF-style: chr1-16464905-T-C.
Other names: c.682A>G, p.Lys228Glu (NM_001329090.2); short protein forms K228E, K282E.
Identifiers: ClinVar variation 1473860 (VCV001473860.8), dbSNP rs747087417, ClinGen allele CA625394.